The following is an entry in ClinVar:

ClinVar aggregate classification (germline): Uncertain significance. Review status: criteria provided, multiple submitters, no conflicts (2 of 4 stars). 2 submissions from 2 submitters: Uncertain significance (2). Last evaluated 2024-06-01.

Conditions:
Hereditary pulmonary alveolar proteinosis. Also called: Pulmonary surfactant metabolism dysfunction. Identifiers: Orphanet 264675, MedGen C3711368, MONDO:0012580.

Allele frequency attached by ClinVar (database versions not stated): ExAC 0.00001; gnomAD 0.00001; gnomAD exomes 0.00002; TOPMed 0.00003.
gnomAD v4.1: 24 of 1,613,774 alleles (0.0015%); highest among the groups gnomAD compares: Non-Finnish European, 0.002%; no homozygotes.

Submissions (2):

Labcorp Genetics (formerly Invitae), Labcorp
Classification: Uncertain significance. Last evaluated: 2024-06-01. Review status: criteria provided, single submitter. Criteria: Invitae Variant Classification Sherloc (09022015). Collection method: clinical testing. Allele origin: germline.
Comment: This sequence change replaces leucine, which is neutral and non-polar, with valine, which is neutral and non-polar, at codon 1435 of the ABCA3 protein (p.Leu1435Val). This variant is present in population databases (rs750703859, gnomAD 0.004%). This variant has not been reported in the literature in individuals affected with ABCA3-related conditions. ClinVar contains an entry for this variant (Variation ID: 1739572). Advanced modeling of protein sequence and biophysical properties (such as structural, functional, and spatial information, amino acid conservation, physicochemical variation, residue mobility, and thermodynamic stability) performed at Invitae indicates that this missense variant is not expected to disrupt ABCA3 protein function with a negative predictive value of 80%. In summary, the available evidence is currently insufficient to determine the role of this variant in disease. Therefore, it has been classified as a Variant of Uncertain Significance.

Ambry Genetics
Classification: Uncertain significance for Hereditary pulmonary alveolar proteinosis. Last evaluated: 2022-05-30. Review status: criteria provided, single submitter. Criteria: Ambry Variant Classification Scheme 2023. Collection method: clinical testing. Allele origin: germline.
Comment: The p.L1435V variant (also known as c.4303C>G), located in coding exon 25 of the ABCA3 gene, results from a C to G substitution at nucleotide position 4303. The leucine at codon 1435 is replaced by valine, an amino acid with highly similar properties. This amino acid position is conserved. In addition, this alteration is predicted to be tolerated by in silico analysis. Since supporting evidence is limited at this time, the clinical significance of this alteration remains unclear.

NM_001089.3(ABCA3):c.4303C>G (p.Leu1435Val)

Gene: ABCA3 (ATP binding cassette subfamily A member 3; minus strand). Cytogenetic location: 16p13.3.
Variant type: single nucleotide variant.
Coding change: c.4303C>G on transcript NM_001089.3 (MANE Select); coding-DNA position 4303, C replaced by G.
Protein change: p.Leu1435Val; replaces leucine 1435 with valine.
Molecular consequence: missense variant.
Genome position (GRCh38, 1-based): chr16:2,281,083, G>C on the plus strand (C>G on the coding strand, the complement: ABCA3 is on the minus strand). VCF-style: chr16-2281083-G-C. GRCh37 (hg19) VCF-style: chr16-2331084-G-C.
Other names: short protein forms L1435V.
Identifiers: ClinVar variation 1739572 (VCV001739572.4), dbSNP rs750703859, ClinGen allele CA7840171.